The following is an entry in ClinVar:

NM_024675.4(PALB2):c.1042C>T (p.Gln348Ter)

Gene: PALB2 (partner and localizer of BRCA2; minus strand). Cytogenetic location: 16p12.2.
Variant type: single nucleotide variant.
Coding change: c.1042C>T on transcript NM_024675.4 (MANE Select); coding-DNA position 1042, C replaced by T.
Protein change: p.Gln348Ter; replaces glutamine 348 with a stop codon.
Molecular consequence: nonsense.
Genome position (GRCh38, 1-based): chr16:23,635,504, G>A on the plus strand (C>T on the coding strand, the complement: PALB2 is on the minus strand). VCF-style: chr16-23635504-G-A. GRCh37 (hg19) VCF-style: chr16-23646825-G-A.
Other names: short protein forms Q348*.
Identifiers: ClinVar variation 221914 (VCV000221914.30), dbSNP rs375699023, ClinGen allele CA10575850.

ClinVar aggregate classification (germline): Pathogenic. Review status: criteria provided, multiple submitters, no conflicts (2 of 4 stars). 13 submissions from 13 submitters: Pathogenic (10). 3 of the submissions do not count toward it. Last evaluated 2026-08-26.

Conditions:
Breast-ovarian cancer, familial, susceptibility to, 5 (BROVCA5). Identifiers: MedGen C5830615, MONDO:0957530, OMIM 620442.
Hereditary breast ovarian cancer syndrome. Also called: Hereditary breast and ovarian cancer syndrome; Hereditary breast and ovarian cancer; Hereditary breast and ovarian cancer syndrome (HBOC); Hereditary breast and/or ovarian cancer syndrome; Breast and ovarian cancer; BRCA1- and BRCA2-Associated Hereditary Breast and Ovarian Cancer. Identifiers: Orphanet 145, MedGen C0677776, MeSH D061325, MONDO:0003582. Disease mechanism: loss of function.
Hereditary cancer-predisposing syndrome. Also called: Hereditary Cancer Syndrome; Tumor predisposition; Hereditary neoplastic syndrome; Neoplastic Syndromes, Hereditary. Identifiers: Orphanet 140162, MedGen C0027672, MeSH D009386, MONDO:0015356.
Familial cancer of breast. Also called: hereditary breast carcinoma; Hereditary breast cancer; BREAST CANCER, FAMILIAL. Identifiers: Orphanet 227535, MedGen C0346153, MONDO:0016419, OMIM 114480. Disease mechanism: loss of function.
PALB2-related cancer predisposition. Identifiers: MedGen CN377761, MONDO:0700272.
Malignant tumor of breast. Also called: Malignant breast neoplasm; Cancer breast. Identifiers: MedGen C0006142, MONDO:0007254. Disease mechanism: loss of function.

gnomAD v4.1: 1 of 1,613,850 alleles (0.000062%); highest among the groups gnomAD compares: Admixed American, 0.0017%; no homozygotes.

Submissions (13):

Hema, HEMA – Genetic and Molecular Diagnostic Laboratory
Classification: Pathogenic for PALB2-related cancer predisposition. Last evaluated: 2026-08-26. Review status: criteria provided, single submitter. Criteria: HEMA Variant Classification Assertion Criteria. Collection method: clinical testing. Allele origin: germline.
Comment: The c.1042C>T p.(Gln348*) variant is a transition from guanine to adenine that results in a premature stop codon at position 348 of the PALB2 protein. PVS1: Null (nonsense) variant in a gene for which loss of function is a known disease mechanism. It is a nonsense variant that results in a premature stop codon in exon 4/13, which is predicted to lead to nonsense-mediated decay (NMD) of the transcript. PM2_Supporting: Present at very low frequency in the gnomAD v4.1.1 database. PM5_Supporting: Variant that introduces a premature stop codon upstream of residue tyrosine 1183 of PALB2.

Dasa
Classification: Pathogenic for Breast-ovarian cancer, familial, susceptibility to, 5. Last evaluated: 2026-02-16. Review status: criteria provided, single submitter. Criteria: DASA Assertion Criteria. Collection method: clinical testing. Allele origin: germline.
Comment: NM_024675.4(PALB2):c.1042C>T (p.Gln348Ter) introduces a premature termination codon predicted to result in loss of normal protein function. Loss-of-function is an established mechanism of disease for this gene. The affected residue or protein region has prior evidence supporting clinical relevance. The variant is present at low frequency in population datasets. Based on the available data, this variant is classified as pathogenic.

Labcorp Genetics (formerly Invitae), Labcorp
Classification: Pathogenic for Familial cancer of breast. Last evaluated: 2025-12-03. Review status: criteria provided, single submitter. Criteria: Invitae Variant Classification Sherloc (09022015). Collection method: clinical testing. Allele origin: germline.
Comment: This sequence change creates a premature translational stop signal (p.Gln348*) in the PALB2 gene. It is expected to result in an absent or disrupted protein product. Loss-of-function variants in PALB2 are known to be pathogenic (PMID: 17200668, 17200671, 17200672, 24136930, 25099575). This variant is not present in population databases (gnomAD no frequency). This premature translational stop signal has been observed in individual(s) with hereditary breast and ovarian cancer (PMID: 27067391). ClinVar contains an entry for this variant (Variation ID: 221914). For these reasons, this variant has been classified as Pathogenic.

Ambry Genetics
Classification: Pathogenic for Hereditary cancer-predisposing syndrome. Last evaluated: 2024-02-28. Review status: criteria provided, single submitter. Criteria: Ambry Variant Classification Scheme 2023. Collection method: clinical testing. Allele origin: germline.
Comment: The p.Q348* pathogenic mutation (also known as c.1042C>T), located in coding exon 4 of the PALB2 gene, results from a C to T substitution at nucleotide position 1042. This changes the amino acid from a glutamine to a stop codon within coding exon 4. This variant is considered to be rare based on population cohorts in the Genome Aggregation Database (gnomAD). This alteration is expected to result in loss of function by premature protein truncation or nonsense-mediated mRNA decay. As such, this alteration is interpreted as a disease-causing mutation.

Color Diagnostics, LLC DBA Color Health
Classification: Pathogenic for Hereditary cancer-predisposing syndrome. Last evaluated: 2023-11-07. Review status: criteria provided, single submitter. Criteria: ACMG Guidelines, 2015. Collection method: clinical testing. Allele origin: germline.
Comment: This variant changes 1 nucleotide in exon 4 of the PALB2 gene, creating a premature translation stop signal. This variant is expected to result in an absent or non-functional protein product. This variant has been reported in five individuals affected with breast and/or ovarian cancer (PMID: 33811135, 35610400) and in an individual with a personal or family history of breast and/or ovarian cancer (PMID: 27067391). This variant has not been identified in the general population by the Genome Aggregation Database (gnomAD). Loss of PALB2 function is a known mechanism of disease. Based on the available evidence, this variant is classified as Pathogenic.

Myriad Genetics, Inc.
Classification: Pathogenic for Familial cancer of breast. Last evaluated: 2023-03-30. Review status: criteria provided, single submitter. Criteria: Myriad Autosomal Dominant, Autosomal Recessive and X-Linked Classification Criteria (2023). Collection method: clinical testing. Allele origin: unknown.
Comment: This variant is considered pathogenic. This variant creates a termination codon and is predicted to result in premature protein truncation.

Baylor Genetics
Classification: Pathogenic for Familial cancer of breast. Last evaluated: 2023-03-03. Review status: criteria provided, single submitter. Criteria: ACMG Guidelines, 2015. Collection method: clinical testing. Allele origin: unknown.

GeneDx
Classification: Pathogenic. Last evaluated: 2022-05-26. Review status: criteria provided, single submitter. Criteria: GeneDx Variant Classification Process June 2021. Collection method: clinical testing. Allele origin: germline. Affected: yes.
Comment: Nonsense variant predicted to result in protein truncation or nonsense mediated decay in a gene for which loss of function is a known mechanism of disease; Not observed at significant frequency in large population cohorts (gnomAD); This variant is associated with the following publications: (PMID: 27067391, 31841383, 25099575, 24136930, 17200672, 17200671, 17200668, 32885271)

Mendelics
Classification: Pathogenic for Familial cancer of breast. Last evaluated: 2019-05-28. Review status: criteria provided, single submitter. Criteria: Mendelics Assertion Criteria 2017. Collection method: clinical testing. Allele origin: unknown.

Genesis Genomics
Classification: Pathogenic for Breast-ovarian cancer, familial, susceptibility to, 5. Review status: criteria provided, single submitter. Criteria: ACMG Guidelines, 2015. Collection method: clinical testing. Allele origin: germline. Affected: yes. Observed: 1 variant allele.

Counsyl
Classification: Likely pathogenic for Familial cancer of breast. Last evaluated: 2016-02-19. Review status: no assertion criteria provided. Collection method: clinical testing. Allele origin: unknown. Not counted in ClinVar's aggregate classification.

Dr. Peter K. Rogan Lab, Western University
Classification: Likely pathogenic for Hereditary breast ovarian cancer syndrome. Last evaluated: 2015-02-05. Review status: no assertion criteria provided. Collection method: research. Allele origin: unknown. Affected: yes. Observed: 1 variant allele. Study: Mucaki_2016. Not counted in ClinVar's aggregate classification.

Department of Pathology and Laboratory Medicine, Sinai Health System
Classification: Pathogenic for Malignant tumor of breast. Review status: no assertion criteria provided. Collection method: clinical testing. Allele origin: unknown. Affected: yes. Study: The Canadian Open Genetics Repository (COGR). Not counted in ClinVar's aggregate classification.
Comment: The PALB2 p.Gln348X variant was identified in 1 of 204 proband chromosomes (frequency: 0.005) from individuals or families with hereditary breast and ovarian cancer (Mucaki 2016 PMID:27067391). The variant was also identified in ClinVar (classified as Pathogenic by Ambry Genetics; classified as likely Pathogenic by GeneDx, Counsyl), Clinvitae (classified as Pathogenic or likely Pathogenic by ClinVar), databases. The variant was not identified in dbSNP, LOVD 3.0, Zhejiang Colon Cancer Database, databases. The variant was also not identified in the following control databases: the 1000 Genomes Project, the NHLBI GO Exome Sequencing Project, the Exome Aggregation Consortium (August 8th 2016), or the Genome Aggregation Database (Feb 27, 2017). The p.Gln348X variant leads to a premature stop codon at position 348, which is predicted to lead to a truncated or absent protein and loss of function. Loss of function variants of the PALB2 gene are an established mechanism of disease in PALB2-associated cancer and is the type of variant expected to cause the disorder. In summary, based on the above information this variant meets our laboratoryâ€šÃ„Ã´s criteria to be classified as pathogenic.

Literature cited by the submitters: PubMed 17200668 (cited by Labcorp Genetics (formerly Invitae), Labcorp); PubMed 17200671 (cited by Labcorp Genetics (formerly Invitae), Labcorp); PubMed 17200672 (cited by Labcorp Genetics (formerly Invitae), Labcorp); PubMed 24136930 (cited by Labcorp Genetics (formerly Invitae), Labcorp); PubMed 25099575 (cited by Labcorp Genetics (formerly Invitae), Labcorp); PubMed 27067391 (cited by 3 submitters); PubMed 33811135 (cited by Color Diagnostics, LLC DBA Color Health); PubMed 35610400 (cited by Color Diagnostics, LLC DBA Color Health).